The following is an entry in ClinVar:

ClinVar aggregate classification (germline): Uncertain significance. Review status: criteria provided, multiple submitters, no conflicts (2 of 4 stars). 2 submissions from 2 submitters: Uncertain significance (2). Last evaluated 2021-01-03.

Conditions:
Inborn genetic diseases. Identifiers: MedGen C0950123, MeSH D030342.
Developmental and epileptic encephalopathy, 12 (DEE12). Identifiers: MedGen C3150988, MONDO:0013389, OMIM 613722.

Allele frequency attached by ClinVar (database versions not stated): gnomAD exomes below 0.00001; gnomAD 0.00001.
gnomAD v4.1: 14 of 1,613,918 alleles (0.00087%); highest among the groups gnomAD compares: Non-Finnish European, 0.0012%; no homozygotes.

Submissions (2):

Labcorp Genetics (formerly Invitae), Labcorp
Classification: Uncertain significance for Developmental and epileptic encephalopathy, 12. Last evaluated: 2021-01-03. Review status: criteria provided, single submitter. Criteria: Invitae Variant Classification Sherloc (09022015). Collection method: clinical testing. Allele origin: germline.
Comment: In summary, the available evidence is currently insufficient to determine the role of this variant in disease. Therefore, it has been classified as a Variant of Uncertain Significance. Algorithms developed to predict the effect of missense changes on protein structure and function are either unavailable or do not agree on the potential impact of this missense change (SIFT: "Deleterious"; PolyPhen-2: "Benign"; Align-GVGD: "Class C0"). This variant has not been reported in the literature in individuals with PLCB1-related conditions. This variant is not present in population databases (ExAC no frequency). This sequence change replaces serine with phenylalanine at codon 487 of the PLCB1 protein (p.Ser487Phe). The serine residue is moderately conserved and there is a large physicochemical difference between serine and phenylalanine.

Ambry Genetics
Classification: Uncertain significance for Inborn genetic diseases. Last evaluated: 2017-12-04. Review status: criteria provided, single submitter. Criteria: Ambry Variant Classification Scheme 2023. Collection method: clinical testing. Allele origin: germline.
Comment: The p.S487F variant (also known as c.1460C>T), located in coding exon 14 of the PLCB1 gene, results from a C to T substitution at nucleotide position 1460. The serine at codon 487 is replaced by phenylalanine, an amino acid with highly dissimilar properties. This amino acid position is highly conserved in available vertebrate species. In addition, the in silico prediction for this alteration is inconclusive. Since supporting evidence is limited at this time, the clinical significance of this alteration remains unclear.

NM_015192.4(PLCB1):c.1460C>T (p.Ser487Phe)

Gene: PLCB1 (phospholipase C beta 1; plus strand). Cytogenetic location: 20p12.3.
Variant type: single nucleotide variant.
Coding change: c.1460C>T on transcript NM_015192.4 (MANE Select); coding-DNA position 1460, C replaced by T.
Protein change: p.Ser487Phe; replaces serine 487 with phenylalanine.
Molecular consequence: missense variant.
Genome position (GRCh38, 1-based): chr20:8,717,795, C>T. VCF-style: chr20-8717795-C-T. GRCh37 (hg19) VCF-style: chr20-8698442-C-T.
Other names: c.1460C>T, p.Ser487Phe (NM_182734.3); short protein forms S487F.
Identifiers: ClinVar variation 1419289 (VCV001419289.10), dbSNP rs1376374003, ClinGen allele CA408201484.